The following is an entry in ClinVar:

ClinVar aggregate classification (germline): Conflicting classifications of pathogenicity. Review status: criteria provided, conflicting classifications (1 of 4 stars). 13 submissions from 11 submitters: Pathogenic (6); Likely pathogenic (2); Uncertain significance (3). 2 of the submissions do not count toward it. Last evaluated 2026-09-07.

Conditions:
COL6A3-related disorder. Also called: COL6A3-related disorders; COL6A3-related condition.
Fetal anomalies with a likely genetic cause.
Dystonia 27 (DYT27). Identifiers: Orphanet 464440, MedGen C4225336, MONDO:0014627, OMIM 616411.
Ullrich congenital muscular dystrophy 1A. Also called: Ullrich congenital muscular dystrophy 1; Intermediate COL6-RD. Identifiers: Orphanet 75840, MedGen C0410179, MONDO:0009681, OMIM 254090.
Bethlem myopathy 1A. Also called: MYOPATHY, BENIGN CONGENITAL, WITH CONTRACTURES; Bethlem myopathy 1; Bethlem Muscular Dystrophy. Identifiers: Orphanet 610, MedGen CN029274, MONDO:0024530, OMIM 158810.

Allele frequency attached by ClinVar (database versions not stated): gnomAD exomes 0.00003 and 0.00004; gnomAD 0.00003; ExAC 0.00007; TOPMed 0.00010.
gnomAD v4.1: 45 of 1,613,706 alleles (0.0028%); highest among the groups gnomAD compares: Admixed American, 0.023%; no homozygotes.

Submissions (13):

Genetics Laboratory, Great Ormond Street Hospital NHS Foundation Trust, North Thames Genomic Laboratory Hub
Classification: Uncertain significance for Fetal anomalies with a likely genetic cause. Last evaluated: 2026-09-07. Review status: criteria provided, single submitter. Criteria: ACGS Best Practice Guidelines for Variant Classification in Rare Disease 2024 v1.2. Collection method: clinical testing. Allele origin: germline. Affected: yes.
Comment: PVS1_very-strong

Labcorp Genetics (formerly Invitae), Labcorp
Classification: Pathogenic for Bethlem myopathy 1A. Last evaluated: 2025-11-21. Review status: criteria provided, single submitter. Criteria: Invitae Variant Classification Sherloc (09022015). Collection method: clinical testing. Allele origin: germline.
Comment: This sequence change creates a premature translational stop signal (p.Arg59*) in the COL6A3 gene. It is expected to result in an absent or disrupted protein product. Loss-of-function variants in COL6A3 are known to be pathogenic (PMID: 26004199). This variant is present in population databases (rs398124119, gnomAD 0.03%). This variant has not been reported in the literature in individuals affected with COL6A3-related conditions. ClinVar contains an entry for this variant (Variation ID: 94911). Algorithms developed to predict the effect of sequence changes on RNA splicing suggest that this variant may disrupt the consensus splice site. For these reasons, this variant has been classified as Pathogenic.

Revvity Omics, Revvity
Classification: Uncertain significance. Last evaluated: 2025-06-25. Review status: criteria provided, single submitter. Criteria: ACMG Guidelines, 2015. Collection method: clinical testing. Allele origin: germline.

GeneDx
Classification: Uncertain significance. Last evaluated: 2025-02-05. Review status: criteria provided, single submitter. Criteria: GeneDx Variant Classification Process June 2021. Collection method: clinical testing. Allele origin: germline. Affected: yes.
Comment: Reported in individuals with dystonia, Bethlem myopathy, and Ullrich congenital muscular dystrophy from ClinVar, as well as an unaffected individual with sleep apnea, in a case-control study of patients with dystonia; however, further clinical information was not provided on the indivdiuals with the variant (PMID: 35925398); Reported in an individual with unspecified cardiovascular disease (PMID: 31345219); Nonsense variant predicted to result in protein truncation or nonsense mediated decay in a gene for which loss of function is a known mechanism of disease; This variant is associated with the following publications: (PMID: 31589614, 32906206, 31345219, 34580720, 35925398)

Blueprint Genetics
Classification: Likely pathogenic for COL6A3-related disorders. Last evaluated: 2024-09-03. Review status: criteria provided, single submitter. Criteria: ACMG Guidelines, 2015. Collection method: clinical testing. Allele origin: germline. Affected: yes. Observed: 2 variant alleles.

Women's Health and Genetics/Laboratory Corporation of America, LabCorp
Classification: Pathogenic for Ullrich congenital muscular dystrophy 1A. Last evaluated: 2024-01-16. Review status: criteria provided, single submitter. Criteria: LabCorp Variant Classification Summary - May 2015. Collection method: clinical testing. Allele origin: germline.
Comment: Variant summary: COL6A3 c.175C>T (p.Arg59X) results in a premature termination codon, predicted to cause absence of the protein due to nonsense mediated decay, which is a commonly known mechanism for disease. The variant allele was found at a frequency of 4.4e-05 in 249020 control chromosomes. c.175C>T has been reported in the literature in an unspecified individual affected with Cardiovascular disease trait (example, Glicksberg_2019). To our knowledge, no experimental evidence demonstrating an impact on protein function has been reported. The following publication have been ascertained in the context of this evaluation (PMID: 31345219). ClinVar contains an entry for this variant (Variation ID: 94911). Based on the evidence outlined above, the variant was classified as pathogenic.

Genomic Research Center, Shahid Beheshti University of Medical Sciences
Classification: Pathogenic for Ullrich congenital muscular dystrophy 1. Last evaluated: 2018-08-07. Review status: criteria provided, single submitter. Criteria: ACMG Guidelines, 2015. Collection method: clinical testing. Allele origin: unknown. Affected: yes. Observed: 1 variant allele.

Genomic Research Center, Shahid Beheshti University of Medical Sciences
Classification: Pathogenic for Dystonia 27. Last evaluated: 2018-08-07. Review status: criteria provided, single submitter. Criteria: ACMG Guidelines, 2015. Collection method: clinical testing. Allele origin: unknown. Affected: yes. Observed: 1 variant allele.

Genomic Research Center, Shahid Beheshti University of Medical Sciences
Classification: Pathogenic for Bethlem myopathy 1. Last evaluated: 2018-08-07. Review status: criteria provided, single submitter. Criteria: ACMG Guidelines, 2015. Collection method: clinical testing. Allele origin: unknown. Affected: yes. Observed: 1 variant allele.

Eurofins Ntd Llc (ga)
Classification: Pathogenic. Last evaluated: 2012-11-05. Review status: criteria provided, single submitter. Criteria: EGL Classification Definitions. Collection method: clinical testing. Allele origin: germline. Observed: 1 variant allele, 1 heterozygote.

Lifecell International Pvt. Ltd
Classification: Likely pathogenic for Ullrich congenital muscular dystrophy 1A. Review status: criteria provided, single submitter. Criteria: ACMG Guidelines, 2015. Collection method: clinical testing. Allele origin: germline. Inheritance: Autosomal dominant inheritance. Affected: yes. Observed: 1 compound heterozygote.
Comment: A Heterozygous Nonsense variant c.175C>T in Exon 3 of the COL6A3 gene that results in the amino acid substitution p.Arg59* was identified. The observed variant has a maximum allele frequency of 0.00004/0.00006 in gnomAD exomes and genomes, respectively. The severity of the impact of this variant on the protein is high, based on the effect of the protein and REVEL score . Rare Exome Variant Ensemble Learner (REVEL) is an ensembl method for predicting the pathogenicity of missense variants based on a combination of scores from 13 individual tools: MutPred, FATHMM v2.3, VEST 3.0, PolyPhen-2, SIFT, PROVEAN, MutationAssessor, MutationTaster, LRT, GERP++, SiPhy, phyloP, and phastCons. The REVEL score for an individual missense variant can range from 0 to 1, with higher scores reflecting greater likelihood that the variant is disease-causing. ClinVar has also classified this variant as Pathogenic [Variant ID: 94911]. Loss-of-function variants in COL6A3 are known to be pathogenic. For these reasons, this variant has been classified as Likely pathogenic.

Clinical Genetics, Academic Medical Center
Classification: Pathogenic. Review status: no assertion criteria provided. Collection method: clinical testing. Allele origin: germline. Affected: yes. Study: VKGL Data-share Consensus. Not counted in ClinVar's aggregate classification.

Genome Diagnostics Laboratory, Amsterdam University Medical Center
Classification: Likely pathogenic. Review status: no assertion criteria provided. Collection method: clinical testing. Allele origin: germline. Affected: yes. Study: VKGL Data-share Consensus. Not counted in ClinVar's aggregate classification.

Literature cited by the submitters: PubMed 26004199 (cited by Labcorp Genetics (formerly Invitae), Labcorp); PubMed 31345219 (cited by Women's Health and Genetics/Laboratory Corporation of America, LabCorp).

NM_004369.4(COL6A3):c.175C>T (p.Arg59Ter)

Gene: COL6A3 (collagen type VI alpha 3 chain; minus strand). Cytogenetic location: 2q37.3.
Variant type: single nucleotide variant.
Coding change: c.175C>T on transcript NM_004369.4 (MANE Select); coding-DNA position 175, C replaced by T.
Protein change: p.Arg59Ter; replaces arginine 59 with a stop codon.
Molecular consequence: nonsense. On other transcripts: intron variant (4).
Genome position (GRCh38, 1-based): chr2:237,395,121, G>A on the plus strand (C>T on the coding strand, the complement: COL6A3 is on the minus strand). VCF-style: chr2-237395121-G-A. GRCh37 (hg19) VCF-style: chr2-238303764-G-A.
Other names: c.91+1606C>T (NM_057166.5, NM_057167.4, NM_057164.5 and 1 more transcripts); short protein forms R59*.
Identifiers: ClinVar variation 94911 (VCV000094911.31), dbSNP rs398124119, ClinGen allele CA222591.